The following is an entry in ClinVar:

ClinVar aggregate classification (germline): Uncertain significance (1 of 4 stars; one submission).

Conditions:
Bethlem myopathy 1A. Also called: Bethlem Muscular Dystrophy; MYOPATHY, BENIGN CONGENITAL, WITH CONTRACTURES; Bethlem myopathy 1. Identifiers: Orphanet 610, MedGen CN029274, MONDO:0024530, OMIM 158810.

gnomAD v4.1: 1 of 1,614,018 alleles (0.000062%); highest among the groups gnomAD compares: Non-Finnish European, 0.000085%; no homozygotes.

Submission:

Labcorp Genetics (formerly Invitae), Labcorp
Classification: Uncertain significance for Bethlem myopathy 1A. Last evaluated: 2025-02-10. Review status: criteria provided, single submitter. Criteria: Invitae Variant Classification Sherloc (09022015). Collection method: clinical testing. Allele origin: germline.
Comment: This sequence change replaces proline, which is neutral and non-polar, with histidine, which is basic and polar, at codon 2954 of the COL6A3 protein (p.Pro2954His). This variant is not present in population databases (gnomAD no frequency). This variant has not been reported in the literature in individuals affected with COL6A3-related conditions. ClinVar contains an entry for this variant (Variation ID: 2417385). Invitae Evidence Modeling of protein sequence and biophysical properties (such as structural, functional, and spatial information, amino acid conservation, physicochemical variation, residue mobility, and thermodynamic stability) indicates that this missense variant is not expected to disrupt COL6A3 protein function with a negative predictive value of 95%. In summary, the available evidence is currently insufficient to determine the role of this variant in disease. Therefore, it has been classified as a Variant of Uncertain Significance.

NM_004369.4(COL6A3):c.8861C>A (p.Pro2954His)

Gene: COL6A3 (collagen type VI alpha 3 chain; minus strand). Cytogenetic location: 2q37.3.
Variant type: single nucleotide variant.
Coding change: c.8861C>A on transcript NM_004369.4 (MANE Select); coding-DNA position 8861, C replaced by A.
Protein change: p.Pro2954His; replaces proline 2954 with histidine.
Molecular consequence: missense variant.
Genome position (GRCh38, 1-based): chr2:237,336,239, G>T on the plus strand (C>A on the coding strand, the complement: COL6A3 is on the minus strand). VCF-style: chr2-237336239-G-T. GRCh37 (hg19) VCF-style: chr2-238244882-G-T.
Other names: c.7040C>A, p.Pro2347His (NM_057166.5); c.8243C>A, p.Pro2748His (NM_057167.4); short protein forms P2347H, P2748H, P2954H.
Identifiers: ClinVar variation 2417385 (VCV002417385.43), dbSNP rs766551222, ClinGen allele CA351191206.